The following is an entry in ClinVar:

ClinVar aggregate classification (germline): Uncertain significance (1 of 4 stars; one submission).

Conditions:
Dilated cardiomyopathy 1KK (CMD1KK). Identifiers: Orphanet 154, Orphanet 75249, MedGen C3714995, MONDO:0014100, OMIM 615248.

gnomAD v4.1: 2 of 1,614,158 alleles (0.00012%); highest among the groups gnomAD compares: East Asian, 0.0022%; no homozygotes.

Submission:

Labcorp Genetics (formerly Invitae), Labcorp
Classification: Uncertain significance for Dilated cardiomyopathy 1KK. Last evaluated: 2022-04-21. Review status: criteria provided, single submitter. Criteria: Invitae Variant Classification Sherloc (09022015). Collection method: clinical testing. Allele origin: germline.
Comment: In summary, the available evidence is currently insufficient to determine the role of this variant in disease. Therefore, it has been classified as a Variant of Uncertain Significance. Algorithms developed to predict the effect of missense changes on protein structure and function are either unavailable or do not agree on the potential impact of this missense change (SIFT: "Tolerated"; PolyPhen-2: "Possibly Damaging"; Align-GVGD: "Class C0"). This variant has not been reported in the literature in individuals affected with MYPN-related conditions. This variant is present in population databases (no rsID available, gnomAD 0.006%). This sequence change replaces glutamic acid, which is acidic and polar, with lysine, which is basic and polar, at codon 1302 of the MYPN protein (p.Glu1302Lys).

NM_032578.4(MYPN):c.3904G>A (p.Glu1302Lys)

Gene: MYPN (myopalladin; plus strand). Cytogenetic location: 10q21.3.
Variant type: single nucleotide variant.
Coding change: c.3904G>A on transcript NM_032578.4 (MANE Select); coding-DNA position 3904, G replaced by A.
Protein change: p.Glu1302Lys; replaces glutamic acid 1302 with lysine.
Molecular consequence: missense variant. On other transcripts: non-coding transcript variant (2).
Genome position (GRCh38, 1-based): chr10:68,210,396, G>A. VCF-style: chr10-68210396-G-A. GRCh37 (hg19) VCF-style: chr10-69970153-G-A.
Other names: c.3904G>A, p.Glu1302Lys (NM_001256267.2); c.3022G>A, p.Glu1008Lys (NM_001256268.2); short protein forms E1008K, E1302K.
Identifiers: ClinVar variation 1962404 (VCV001962404.5), dbSNP rs1463632812, ClinGen allele CA376830253.